The following is an entry in ClinVar:

ClinVar aggregate classification (germline): Benign/Likely benign. Review status: criteria provided, multiple submitters, no conflicts (2 of 4 stars). 4 submissions from 4 submitters: Benign (1); Likely benign (2). 1 of the submissions does not count toward it. Last evaluated 2024-11-15.

Conditions:
Renal cell carcinoma. Identifiers: Orphanet 217071, MedGen C0007134, MeSH D002292, MONDO:0005086, HP:0005584.
Hereditary cancer-predisposing syndrome. Also called: Tumor predisposition; Neoplastic Syndromes, Hereditary; Hereditary neoplastic syndrome; Hereditary Cancer Syndrome. Identifiers: Orphanet 140162, MedGen C0027672, MeSH D009386, MONDO:0015356.
Papillary renal cell carcinoma type 1 (RCCP1). Also called: RENAL CELL CARCINOMA, PAPILLARY, 1, SOMATIC; Renal adenocarcinoma; Renal cell carcinoma 1; Renal cell carcinoma, somatic. Identifiers: Orphanet 47044, MedGen C1336839, OMIM 605074, HP:0011797.
MET-related disorder. Also called: MET-related condition.

Allele frequency attached by ClinVar (database versions not stated): TOPMed below 0.00001.
gnomAD v4.1: 10 of 1,614,010 alleles (0.00062%); highest among the groups gnomAD compares: East Asian, 0.0022%; no homozygotes.

Submissions (4):

Myriad Genetics, Inc.
Classification: Benign for Papillary renal cell carcinoma type 1. Last evaluated: 2024-11-15. Review status: criteria provided, single submitter. Criteria: Myriad Autosomal Dominant, Autosomal Recessive and X-Linked Classification Criteria (2023). Collection method: clinical testing. Allele origin: unknown.
Comment: This variant is considered benign. This variant is a silent/synonymous amino acid change and it is not expected to impact splicing.

Labcorp Genetics (formerly Invitae), Labcorp
Classification: Likely benign for Renal cell carcinoma. Last evaluated: 2024-10-07. Review status: criteria provided, single submitter. Criteria: Invitae Variant Classification Sherloc (09022015). Collection method: clinical testing. Allele origin: germline.

Ambry Genetics
Classification: Likely benign for Hereditary cancer-predisposing syndrome. Last evaluated: 2020-10-02. Review status: criteria provided, single submitter. Criteria: Ambry Variant Classification Scheme 2023. Collection method: clinical testing. Allele origin: germline.

PreventionGenetics, part of Exact Sciences
Classification: Likely benign for MET-related condition. Last evaluated: 2024-06-07. Review status: no assertion criteria provided. Collection method: clinical testing. Allele origin: germline. Not counted in ClinVar's aggregate classification.
Comment: This variant is classified as likely benign based on ACMG/AMP sequence variant interpretation guidelines (Richards et al. 2015 PMID: 25741868, with internal and published modifications).

NM_000245.4(MET):c.4144C>A (p.Arg1382=)

Gene: MET (MET proto-oncogene, receptor tyrosine kinase; plus strand). Cytogenetic location: 7q31.2.
Variant type: single nucleotide variant.
Coding change: c.4144C>A on transcript NM_000245.4 (MANE Select); coding-DNA position 4144, C replaced by A.
Protein change: p.Arg1382=; no amino-acid change (arginine 1382 retained).
Molecular consequence: synonymous variant.
Genome position (GRCh38, 1-based): chr7:116,796,095, C>A. VCF-style: chr7-116796095-C-A. GRCh37 (hg19) VCF-style: chr7-116436149-C-A.
Other names: c.4198C>A, p.Arg1400= (NM_001127500.3); c.2854C>A, p.Arg952= (NM_001324402.2); c.4198C>A (NM_001127500.2).
Identifiers: ClinVar variation 1149695 (VCV001149695.13), dbSNP rs200315561, ClinGen allele CA4448837.